The following is an entry in ClinVar:

NM_033380.3(COL4A5):c.142G>A (p.Gly48Arg)

Gene: COL4A5 (collagen type IV alpha 5 chain; plus strand). Cytogenetic location: Xq22.3.
Variant type: single nucleotide variant.
Coding change: c.142G>A on transcript NM_033380.3 (MANE Select); coding-DNA position 142, G replaced by A.
Protein change: p.Gly48Arg; replaces glycine 48 with arginine.
Molecular consequence: missense variant.
Genome position (GRCh38, 1-based): chrX:108,559,064, G>A. VCF-style: chrX-108559064-G-A. GRCh37 (hg19) VCF-style: chrX-107802294-G-A.
Other names: c.142G>A, p.Gly48Arg (NM_000495.5); c.142G>A (NM_033380.2); short protein forms G48R.
Identifiers: ClinVar variation 3254648 (VCV003254648.2), dbSNP rs281874669.

ClinVar aggregate classification (germline): Likely pathogenic (1 of 4 stars; one submission).

Conditions:
X-linked Alport syndrome (ATS1). Also called: COL4A5-Related Nephropathy; NEPHROPATHY AND DEAFNESS, X-LINKED. Identifiers: Orphanet 63, Orphanet 88917, MedGen C4746986, MONDO:0010520, OMIM 301050.

Submission:

Victorian Clinical Genetics Services, Murdoch Childrens Research Institute
Classification: Likely pathogenic for X-linked Alport syndrome. Last evaluated: 2025-10-20. Review status: criteria provided, single submitter. Criteria: ACMG Guidelines, 2015. Collection method: clinical testing. Allele origin: germline.
Comment: This variant is classified as Likely pathogenic. Evidence in support of pathogenic classification: Variant is absent from gnomAD (v2, v3 and v4); This variant has limited previous evidence of pathogenicity in unrelated individuals. It has also been reported as pathogenic in LOVD and the ARUP Alport syndrome database (PMID: 19965530, PMID: 20574986); Variant is located in the well-established functional triple helical domain. Residue affected is the Gly of the G-X-Y repeat (DECIPHER); Missense variant predicted to be damaging by in silico tool(s) or highly conserved with a major amino acid change. Additional information: Variant is predicted to result in a missense amino acid change from glycine to arginine; This gene is associated with X-linked dominant disease. Males are typically more severely affected than females (PMID: 19965530); No published functional evidence has been identified for this variant; No comparable missense variants have previous evidence for pathogenicity; Dominant negative and loss of function are known mechanisms of disease in this gene and are associated with X-linked Alport syndrome 1 (MIM#301050). Dominant negative is caused mostly by glycine substitutions that affect the conformation of the protein, and loss of function can be caused by either protein truncating or missense variants (PMID: 24046192, 12028435); Variants in this gene are known to have variable expressivity. There is intrafamilial variability among affected carrier females, possibly due to variable X-inactivation (PMID: 14514738).

Literature cited by the submitters: PubMed 24046192; PubMed 12028435; PubMed 14514738; PubMed 19965530; PubMed 20574986.